The following is an entry in ClinVar:

NM_000417.3(IL2RA):c.117G>A (p.Met39Ile)

Gene: IL2RA (interleukin 2 receptor subunit alpha; minus strand). Cytogenetic location: 10p15.1.
Variant type: single nucleotide variant.
Coding change: c.117G>A on transcript NM_000417.3 (MANE Select); coding-DNA position 117, G replaced by A.
Protein change: p.Met39Ile; replaces methionine 39 with isoleucine.
Molecular consequence: missense variant.
Genome position (GRCh38, 1-based): chr10:6,025,973, C>T on the plus strand (G>A on the coding strand, the complement: IL2RA is on the minus strand). VCF-style: chr10-6025973-C-T. GRCh37 (hg19) VCF-style: chr10-6067936-C-T.
Other names: c.117G>A, p.Met39Ile (NM_001308242.2, NM_001308243.2); c.117G>A (NM_000417.2); short protein forms M39I.
Identifiers: ClinVar variation 1034447 (VCV001034447.8), dbSNP rs146345652, ClinGen allele CA5397542.
Genomic context (GRCh38, chr10:6,025,973, plus strand): 5'-TTTTATTCTGCGGAAACCTCTCTTGCATTCACAGTTCAACATGGTTCCTTCCTTGTAGGC[C>T]ATGGCTTTGAATGTGGCGTGTGGGATCTCTGGCGGGTCATCGTCACAGAGCTCTGCAAAG-3'
Protein context (NP_000408.1, residues 29-49): PEIPHATFKA[Met39Ile]AYKEGTMLNC

ClinVar aggregate classification (germline): Uncertain significance. Review status: criteria provided, multiple submitters, no conflicts (2 of 4 stars). 2 submissions from 2 submitters: Uncertain significance (2). Last evaluated 2024-05-22.

Conditions:
Immunodeficiency due to CD25 deficiency. Also called: IMMUNODEFICIENCY 41 WITH LYMPHOPROLIFERATION AND AUTOIMMUNITY; IL2RA DEFICIENCY; CD25 DEFICIENCY. Identifiers: Orphanet 169100, MedGen C1853392, MONDO:0011664, OMIM 606367.

Allele frequency attached by ClinVar (database versions not stated): gnomAD exomes 0.00002 and 0.00004; ExAC 0.00005; 1000 Genomes Project 30x 0.00016; gnomAD 0.00017; 1000 Genomes Project 0.00020; ESP Exome Variant Server 0.00023; TOPMed 0.00028.
gnomAD v4.1: 57 of 1,613,986 alleles (0.0035%); highest among the groups gnomAD compares: African/African-American, 0.072%; 1 homozygote.

Submissions (2):

Labcorp Genetics (formerly Invitae), Labcorp
Classification: Uncertain significance for Immunodeficiency due to CD25 deficiency. Last evaluated: 2024-05-22. Review status: criteria provided, single submitter. Criteria: Invitae Variant Classification Sherloc (09022015). Collection method: clinical testing. Allele origin: germline.
Comment: This sequence change replaces methionine, which is neutral and non-polar, with isoleucine, which is neutral and non-polar, at codon 39 of the IL2RA protein (p.Met39Ile). This variant is present in population databases (rs146345652, gnomAD 0.06%). This variant has not been reported in the literature in individuals affected with IL2RA-related conditions. ClinVar contains an entry for this variant (Variation ID: 1034447). Advanced modeling of protein sequence and biophysical properties (such as structural, functional, and spatial information, amino acid conservation, physicochemical variation, residue mobility, and thermodynamic stability) performed at Invitae indicates that this missense variant is not expected to disrupt IL2RA protein function with a negative predictive value of 80%. In summary, the available evidence is currently insufficient to determine the role of this variant in disease. Therefore, it has been classified as a Variant of Uncertain Significance.

Ambry Genetics
Classification: Uncertain significance. Last evaluated: 2021-07-26. Review status: criteria provided, single submitter. Criteria: Ambry Variant Classification Scheme 2023. Collection method: clinical testing. Allele origin: germline.